The following is an entry in ClinVar:

ClinVar aggregate classification (germline): Likely pathogenic. Review status: criteria provided, multiple submitters, no conflicts (2 of 4 stars). 2 submissions from 2 submitters: Likely pathogenic (2). Last evaluated 2025-09-19.

Conditions:
Usher syndrome. Also called: Usher's syndrome; Usher Syndromes. Identifiers: Orphanet 886, MedGen CN469326, MeSH D052245, MONDO:0019501. Disease mechanism: loss of function.
Usher syndrome type 2A. Also called: USHER SYNDROME, TYPE IIA; RETINAL DISEASE IN USHER SYNDROME TYPE IIA, MODIFIER OF. Identifiers: Orphanet 231178, Orphanet 886, MedGen C1848634, MONDO:0010169, OMIM 276901.

Submissions (2):

Natera, Inc.
Classification: Likely pathogenic for Usher syndrome type 2A. Last evaluated: 2025-09-19. Review status: criteria provided, single submitter. Criteria: Natera Variant Classification Schema (03/2026). Collection method: clinical testing. Allele origin: germline.
Comment: The c.9801C>G variant in USH2A is a missense variant predicted to cause substitution of cysteine to tryptophan at amino acid 3267. This variant is rare in the general population with a frequency below the threshold expected for the associated phenotype(s). This variant has been observed in one or more individuals affected with the associated recessive disease, as either homozygous or compound heterozygous with a second variant (PMID: 25356976, 36464167, 32188678, 36110214). A different variant at the same position has been determined to be Pathogenic or Likely Pathogenic. Computational prediction algorithms indicate this variant is likely to affect gene or protein function. Given the available evidence, this variant is classified as Likely Pathogenic.

Women's Health and Genetics/Laboratory Corporation of America, LabCorp
Classification: Likely pathogenic for Usher syndrome. Last evaluated: 2024-12-05. Review status: criteria provided, single submitter. Criteria: LabCorp Variant Classification Summary - May 2015. Collection method: clinical testing. Allele origin: germline.
Comment: Variant summary: USH2A c.9801C>G (p.Cys3267Trp) results in a non-conservative amino acid change located in the Fibronectin type III domain (IPR003961) of the encoded protein sequence. Five of five in-silico tools predict a damaging effect of the variant on protein function. The variant was absent in 251036 control chromosomes. c.9801C>G has been reported in the literature in compound heterozygous individuals affected with Usher Syndrome and/or retinitis pigmentosa (e.g. Huang_2015, Gao_2021, Jin_2023). These data indicate that the variant may be associated with disease. To our knowledge, no experimental evidence demonstrating an impact on protein function has been reported. However, a different variant affecting the same codon has been classified as pathogenic/likely pathogenic in ClinVar (c.9799T>C, p.Cys3267Arg), supporting the critical relevance of codon 3267 to USH2A protein function. The following publications have been ascertained in the context of this evaluation (PMID: 32188678, 25356976, 36464167). No submitters have cited clinical-significance assessments for this variant to ClinVar. Based on the evidence outlined above, the variant was classified as likely pathogenic.

Literature cited by the submitters: PubMed 25356976 (cited by Natera, Inc. and Women's Health and Genetics/Laboratory Corporation of America, LabCorp); PubMed 36464167 (cited by Natera, Inc. and Women's Health and Genetics/Laboratory Corporation of America, LabCorp); PubMed 32188678 (cited by Natera, Inc. and Women's Health and Genetics/Laboratory Corporation of America, LabCorp); PubMed 36110214 (cited by Natera, Inc.).

NM_206933.4(USH2A):c.9801C>G (p.Cys3267Trp)

Gene: USH2A (usherin; minus strand). Cytogenetic location: 1q41.
Variant type: single nucleotide variant.
Coding change: c.9801C>G on transcript NM_206933.4 (MANE Select); coding-DNA position 9801, C replaced by G.
Protein change: p.Cys3267Trp; replaces cysteine 3267 with tryptophan.
Molecular consequence: missense variant.
Genome position (GRCh38, 1-based): chr1:215,799,064, G>C on the plus strand (C>G on the coding strand, the complement: USH2A is on the minus strand). VCF-style: chr1-215799064-G-C. GRCh37 (hg19) VCF-style: chr1-215972406-G-C.
Other names: c.9801C>G (NM_206933.2); short protein forms C3267W.
Identifiers: ClinVar variation 3768239 (VCV003768239.3).